The following is an entry in ClinVar:

NM_006736.6(DNAJB2):c.974G>A (p.Ter325=)

Gene: DNAJB2 (DnaJ heat shock protein family (Hsp40) member B2; plus strand). Cytogenetic location: 2q35.
Variant type: single nucleotide variant.
Coding change: c.974G>A on transcript NM_006736.6 (MANE Select); coding-DNA position 974, G replaced by A.
Protein change: p.Ter325=.
Molecular consequence: synonymous variant. On other transcripts: intron variant (1).
Genome position (GRCh38, 1-based): chr2:219,284,986, G>A. VCF-style: chr2-219284986-G-A. GRCh37 (hg19) VCF-style: chr2-220149708-G-A.
Other names: c.823+151G>A (NM_001039550.2).
Identifiers: ClinVar variation 4979575 (VCV004979575.1).

ClinVar aggregate classification (germline): Likely benign (1 of 4 stars; one submission).

Conditions:
DNAJB2-related disorder. Also called: DNAJB2-related condition.

gnomAD v4.1: 30 of 1,499,940 alleles (0.002%); highest among the groups gnomAD compares: African/African-American, 0.0028%; no homozygotes.

Submission:

PreventionGenetics, part of Exact Sciences
Classification: Likely benign for DNAJB2-related condition. Last evaluated: 2026-05-27. Review status: criteria provided, single submitter. Criteria: ACMG Guidelines, 2015. Collection method: clinical testing. Allele origin: germline.
Comment: This variant is classified as likely benign based on ACMG/AMP sequence variant interpretation guidelines (Richards et al. 2015 PMID: 25741868, with internal and published modifications).